The following is an entry in ClinVar:

ClinVar aggregate classification (germline): Conflicting classifications of pathogenicity. Review status: criteria provided, conflicting classifications (1 of 4 stars). 2 submissions from 2 submitters: Likely pathogenic (1); Uncertain significance (1). Last evaluated 2024-12-12.

Conditions:
Neuromuscular disease. Also called: Neuromyopathy; Neuromuscular disorder. Identifiers: Orphanet 68381, MedGen C0027868, MeSH D009468, MONDO:0019056.

Allele frequency attached by ClinVar (database versions not stated): gnomAD exomes below 0.00001.

Submissions (2):

Broad Center for Mendelian Genomics, Broad Institute of MIT and Harvard
Classification: Uncertain significance for Neuromuscular disease. Last evaluated: 2024-12-12. Review status: criteria provided, single submitter. Criteria: ACMG Guidelines, 2015. Collection method: curation. Allele origin: germline. Inheritance: Autosomal recessive inheritance. Study: GREGoR Consortium.
Comment: The heterozygous p.Leu280Phe variant in BCS1L was identified by our study, in the compound heterozygous state, in 2 siblings with motor neuropathy. While this gene is still lacking sufficient evidence to establish a gene-disease relationship, we believe this is a possible novel gene candidate for motor neuropathy. Given the limited information about this gene-disease relationship, the significance of the p.Leu280Phe variant is uncertain. If you have any additional information about functional evidence or other individuals with this phenotype that also have variants in BCS1L we encourage you to reach out to us.

GeneDx
Classification: Likely pathogenic. Last evaluated: 2018-09-04. Review status: criteria provided, single submitter. Criteria: GeneDx Variant Classification (06012015). Collection method: clinical testing. Allele origin: germline. Affected: yes.
Comment: The L280F variant in the BCS1L gene has not been reported previously as a pathogenic variant, nor as a benign variant, to our knowledge. This variant is not observed in large population cohorts (Lek et al., 2016; 1000 Genomes Consortium et al., 2015; Exome Variant Server). The L280F variant is a conservative amino acid substitution, which is not likely to impact secondary protein structure as these residues share similar properties. This substitution occurs at a position that is conserved across species, and in silico analysis predicts this variant is probably damaging to the protein structure/function. The L280F variant is a strong candidate for a pathogenic variant.

NM_001079866.2(BCS1L):c.838C>T (p.Leu280Phe)

Gene: BCS1L (BCS1 homolog, ubiquinol-cytochrome c reductase complex chaperone; plus strand). Cytogenetic location: 2q35.
Variant type: single nucleotide variant.
Coding change: c.838C>T on transcript NM_001079866.2 (MANE Select); coding-DNA position 838, C replaced by T.
Protein change: p.Leu280Phe; replaces leucine 280 with phenylalanine.
Molecular consequence: missense variant. On other transcripts: non-coding transcript variant (1).
Genome position (GRCh38, 1-based): chr2:218,662,628, C>T. VCF-style: chr2-218662628-C-T. GRCh37 (hg19) VCF-style: chr2-219527351-C-T.
Other names: NM_001079866.2(BCS1L):c.838C>T; p.Leu280Phe; c.838C>T, p.Leu280Phe (NM_001257342.2, NM_001257343.2, NM_001257344.2 and 10 more transcripts); c.478C>T, p.Leu160Phe (NM_001318836.2, NM_001371451.1); c.337C>T, p.Leu113Phe (NM_001371452.1, NM_001371453.1, NM_001371454.1 and 3 more transcripts); short protein forms L280F, L160F, L113F.
Identifiers: ClinVar variation 423549 (VCV000423549.3), dbSNP rs1064796486, ClinGen allele CA16617468.
Genomic context (GRCh38, chr2:218,662,628, plus strand): 5'-AGCCTCTCTGATGACCGACTCAACCACCTGCTGAGCGTGGCCCCGCAGCAGAGCCTGGTA[C>T]TCCTGGAGGATGTGGATGCTGCTTTTCTCAGTCGAGACTTGGCTGTGGAGAGTAAGTGAG-3'
Protein context (NP_001073335.1, residues 270-290): LSVAPQQSLV[Leu280Phe]LEDVDAAFLS